The following is an entry in ClinVar:

ClinVar aggregate classification (germline): Uncertain significance (1 of 4 stars; one submission).

Conditions:
Bethlem myopathy 1A. Also called: Bethlem myopathy 1; MYOPATHY, BENIGN CONGENITAL, WITH CONTRACTURES; Bethlem Muscular Dystrophy. Identifiers: Orphanet 610, MedGen CN029274, MONDO:0024530, OMIM 158810.

Allele frequency attached by ClinVar (database versions not stated): TOPMed below 0.00001; gnomAD 0.00001; gnomAD exomes 0.00001.
gnomAD v4.1: 10 of 1,598,998 alleles (0.00063%); highest among the groups gnomAD compares: Non-Finnish European, 0.00085%; no homozygotes.

Submission:

Labcorp Genetics (formerly Invitae), Labcorp
Classification: Uncertain significance for Bethlem myopathy 1A. Last evaluated: 2023-11-16. Review status: criteria provided, single submitter. Criteria: Invitae Variant Classification Sherloc (09022015). Collection method: clinical testing. Allele origin: germline.
Comment: This sequence change replaces lysine, which is basic and polar, with glutamic acid, which is acidic and polar, at codon 240 of the COL6A1 protein (p.Lys240Glu). This variant is present in population databases (no rsID available, gnomAD 0.007%). This variant has not been reported in the literature in individuals affected with COL6A1-related conditions. Experimental studies and prediction algorithms are not available or were not evaluated, and the functional significance of this variant is currently unknown. In summary, the available evidence is currently insufficient to determine the role of this variant in disease. Therefore, it has been classified as a Variant of Uncertain Significance.

NM_001848.3(COL6A1):c.718A>G (p.Lys240Glu)

Gene: COL6A1 (collagen type VI alpha 1 chain; plus strand). Cytogenetic location: 21q22.3.
Variant type: single nucleotide variant.
Coding change: c.718A>G on transcript NM_001848.3 (MANE Select); coding-DNA position 718, A replaced by G.
Protein change: p.Lys240Glu; replaces lysine 240 with glutamic acid.
Molecular consequence: missense variant.
Genome position (GRCh38, 1-based): chr21:45,987,155, A>G. VCF-style: chr21-45987155-A-G. GRCh37 (hg19) VCF-style: chr21-47407069-A-G.
Other names: short protein forms K240E.
Identifiers: ClinVar variation 2890672 (VCV002890672.3), dbSNP rs1461487571, ClinGen allele CA410519207.